The following is an entry in ClinVar:

NM_001267550.2(TTN):c.36418C>A (p.Pro12140Thr)

Gene: TTN (titin; minus strand). Cytogenetic location: 2q31.2.
Variant type: single nucleotide variant.
Coding change: c.36418C>A on transcript NM_001267550.2 (MANE Select); coding-DNA position 36418, C replaced by A.
Protein change: p.Pro12140Thr; replaces proline 12140 with threonine.
Molecular consequence: missense variant. On other transcripts: intron variant (5).
Genome position (GRCh38, 1-based): chr2:178,663,849, G>T on the plus strand (C>A on the coding strand, the complement: TTN is on the minus strand). VCF-style: chr2-178663849-G-T. GRCh37 (hg19) VCF-style: chr2-179528576-G-T.
Other names: c.13283-21532C>A (NM_003319.4); c.13859-21532C>A (NM_133437.4); c.13658-21532C>A (NM_133432.3); c.31484-794C>A (NM_133378.4); c.34265-794C>A (NM_001256850.1); short protein forms P12140T.
Identifiers: ClinVar variation 2651662 (VCV002651662.24), dbSNP rs1225570991, ClinGen allele CA349498578.
Genomic context (GRCh38, chr2:178,663,849, plus strand): 5'-GATCTGAAGCCTAAGGTCAGTGGCAACTACCTTTAACAGGTGGGACTTCAGGCTCTTTAG[G>T]AGGAGCCAAGGGCACTTTCTCTTCGCGGATAACCTCTTTGGAAGCTTCTGGCACTTGAAA-3'
Protein context (NP_001254479.2, residues 12130-12150): IREEKVPLAP[Pro12140Thr]KEPEVPPVKV

ClinVar aggregate classification (germline): Uncertain significance (1 of 4 stars; one submission).

Allele frequency attached by ClinVar (database versions not stated): gnomAD exomes below 0.00001.
gnomAD v4.1: 2 of 1,613,428 alleles (0.00012%); highest among the groups gnomAD compares: Non-Finnish European, 0.00017%; no homozygotes.

Submission:

CeGaT Center for Human Genetics Tuebingen
Classification: Uncertain significance. Last evaluated: 2023-10-01. Review status: criteria provided, single submitter. Criteria: CeGaT Center For Human Genetics Tuebingen Variant Classification Criteria Version 2. Collection method: clinical testing. Allele origin: germline. Affected: yes. Observed: 1 variant allele.
Comment: TTN: PM2, BP4